The following is an entry in ClinVar:

NM_000302.4(PLOD1):c.1960A>T (p.Met654Leu)

Gene: PLOD1 (procollagen-lysine,2-oxoglutarate 5-dioxygenase 1; plus strand). Cytogenetic location: 1p36.22.
Variant type: single nucleotide variant.
Coding change: c.1960A>T on transcript NM_000302.4 (MANE Select); coding-DNA position 1960, A replaced by T.
Protein change: p.Met654Leu; replaces methionine 654 with leucine.
Molecular consequence: missense variant.
Genome position (GRCh38, 1-based): chr1:11,972,929, A>T. VCF-style: chr1-11972929-A-T. GRCh37 (hg19) VCF-style: chr1-12032986-A-T.
Other names: c.2101A>T, p.Met701Leu (NM_001316320.2); short protein forms M654L, M701L.
Identifiers: ClinVar variation 426238 (VCV000426238.16), dbSNP rs1085307517, ClinGen allele CA338452365.

ClinVar aggregate classification (germline): Uncertain significance. Review status: criteria provided, multiple submitters, no conflicts (2 of 4 stars). 4 submissions from 4 submitters: Uncertain significance (4). Last evaluated 2024-10-04.

Conditions:
Ehlers-Danlos syndrome, kyphoscoliotic type 1 (EDSKSCL1). Also called: Ehlers-Danlos syndrome, hydroxylysine-deficient; EHLERS-DANLOS SYNDROME, TYPE VIA; EHLERS-DANLOS SYNDROME, OCULAR-SCOLIOTIC TYPE; PLOD1-Related Kyphoscoliotic Ehlers-Danlos Syndrome. Identifiers: Orphanet 1900, MedGen C0268342, MONDO:0016002, OMIM 225400. Disease mechanism: loss of function.
Familial thoracic aortic aneurysm and aortic dissection (TAAD). Also called: Thoracic aortic aneurysms and dissections. Identifiers: Orphanet 91387, MedGen C4707243, MONDO:0019625.

Allele frequency attached by ClinVar (database versions not stated): gnomAD exomes below 0.00001 and 0.00001; gnomAD 0.00002; TOPMed 0.00002.
gnomAD v4.1: 24 of 1,613,910 alleles (0.0015%); highest among the groups gnomAD compares: African/African-American, 0.0027%; no homozygotes.

Submissions (4):

Ambry Genetics
Classification: Uncertain significance for Familial thoracic aortic aneurysm and aortic dissection. Last evaluated: 2024-10-04. Review status: criteria provided, single submitter. Criteria: Ambry Variant Classification Scheme 2023. Collection method: clinical testing. Allele origin: germline.
Comment: The p.M654L variant (also known as c.1960A>T), located in coding exon 18 of the PLOD1 gene, results from an A to T substitution at nucleotide position 1960. The methionine at codon 654 is replaced by leucine, an amino acid with highly similar properties. This amino acid position is conserved. In addition, this alteration is predicted to be tolerated by in silico analysis. Since supporting evidence is limited at this time, the clinical significance of this alteration remains unclear.

Labcorp Genetics (formerly Invitae), Labcorp
Classification: Uncertain significance for Ehlers-Danlos syndrome, kyphoscoliotic type 1. Last evaluated: 2022-07-13. Review status: criteria provided, single submitter. Criteria: Invitae Variant Classification Sherloc (09022015). Collection method: clinical testing. Allele origin: germline.
Comment: This sequence change replaces methionine, which is neutral and non-polar, with leucine, which is neutral and non-polar, at codon 654 of the PLOD1 protein (p.Met654Leu). This variant is present in population databases (no rsID available, gnomAD 0.0009%). This variant has not been reported in the literature in individuals affected with PLOD1-related conditions. ClinVar contains an entry for this variant (Variation ID: 426238). Algorithms developed to predict the effect of missense changes on protein structure and function (SIFT, PolyPhen-2, Align-GVGD) all suggest that this variant is likely to be tolerated. In summary, the available evidence is currently insufficient to determine the role of this variant in disease. Therefore, it has been classified as a Variant of Uncertain Significance.

GeneDx
Classification: Uncertain significance. Last evaluated: 2018-11-09. Review status: criteria provided, single submitter. Criteria: GeneDx Variant Classification (06012015). Collection method: clinical testing. Allele origin: germline. Affected: yes.
Comment: The M654L variant has not beenpublished as pathogenic or been reported as benign to our knowledge. It is not observed in large population cohorts(Lek et al., 2016; 1000 Genomes Consortium et al., 2015; Exome Variant Server). This substitution occurs at aposition that is conserved through mammals. However, M654L is a conservative amino acid substitution, which isnot likely to impact secondary protein structure as these residues share similar properties. Finally, in silico analysis isinconsistent in its predictions as to whether or not the variant is damaging to the protein structure/function.

ARUP Laboratories, Molecular Genetics and Genomics, ARUP Laboratories
Classification: Uncertain significance. Last evaluated: 2017-08-01. Review status: criteria provided, single submitter. Criteria: ARUP Molecular Germline Variant Investigation Process. Collection method: clinical testing. Allele origin: germline.